The following is an entry in ClinVar:

ClinVar aggregate classification (germline): Uncertain significance (1 of 4 stars; one submission).

Conditions:
Severe early-onset pulmonary alveolar proteinosis due to MARS deficiency. Also called: PULMONARY ALVEOLAR PROTEINOSIS, REUNION ISLAND; Interstitial lung and liver disease. Identifiers: Orphanet 440427, MedGen C4225400, MONDO:0014206, OMIM 615486.
Charcot-Marie-Tooth disease axonal type 2U. Also called: CHARCOT-MARIE-TOOTH NEUROPATHY, TYPE 2U; CHARCOT-MARIE-TOOTH DISEASE, AXONAL, AUTOSOMAL DOMINANT, TYPE 2U. Identifiers: Orphanet 397735, MedGen C4084821, MONDO:0014566, OMIM 616280.

gnomAD v4.1: 1 of 1,614,184 alleles (0.000062%); highest among the groups gnomAD compares: Non-Finnish European, 0.000085%; no homozygotes.

Submission:

Labcorp Genetics (formerly Invitae), Labcorp
Classification: Uncertain significance for Charcot-Marie-Tooth disease axonal type 2U; Severe early-onset pulmonary alveolar proteinosis due to MARS deficiency. Last evaluated: 2025-11-16. Review status: criteria provided, single submitter. Criteria: Invitae Variant Classification Sherloc (09022015). Collection method: clinical testing. Allele origin: germline.
Comment: This sequence change replaces valine, which is neutral and non-polar, with alanine, which is neutral and non-polar, at codon 831 of the MARS protein (p.Val831Ala). This variant is not present in population databases (gnomAD no frequency). This variant has not been reported in the literature in individuals affected with MARS-related conditions. An algorithm developed to predict the effect of missense changes on protein structure and function outputs the following: PolyPhen-2: "Benign". The alanine amino acid residue is found in multiple mammalian species, which suggests that this missense change does not adversely affect protein function. In summary, the available evidence is currently insufficient to determine the role of this variant in disease. Therefore, it has been classified as a Variant of Uncertain Significance.

NM_004990.4(MARS1):c.2492T>C (p.Val831Ala)

Gene: MARS1 (methionyl-tRNA synthetase 1; plus strand). Cytogenetic location: 12q13.3.
Variant type: single nucleotide variant.
Coding change: c.2492T>C on transcript NM_004990.4 (MANE Select); coding-DNA position 2492, T replaced by C.
Protein change: p.Val831Ala; replaces valine 831 with alanine.
Molecular consequence: missense variant.
Genome position (GRCh38, 1-based): chr12:57,516,273, T>C. VCF-style: chr12-57516273-T-C. GRCh37 (hg19) VCF-style: chr12-57910056-T-C.
Other names: short protein forms V831A.
Identifiers: ClinVar variation 4791693 (VCV004791693.1).